The following is an entry in ClinVar:

ClinVar aggregate classification (germline): Uncertain significance (1 of 4 stars; one submission).

Conditions:
Idiopathic generalized epilepsy. Also called: Generalised epilepsy; EIG. Identifiers: MedGen C0270850, MONDO:0005579, OMIM 600669.
Hyperaldosteronism, familial, type IV (HALD4). Also called: FH IV; ALDOSTERONISM, PRIMARY, AND HYPERTENSION. Identifiers: Orphanet 642671, MedGen C4310756, MONDO:0014875, OMIM 617027.

Submission:

Labcorp Genetics (formerly Invitae), Labcorp
Classification: Uncertain significance for Idiopathic generalized epilepsy; Hyperaldosteronism, familial, type IV. Last evaluated: 2025-07-14. Review status: criteria provided, single submitter. Criteria: Invitae Variant Classification Sherloc (09022015). Collection method: clinical testing. Allele origin: germline.
Comment: This sequence change replaces aspartic acid, which is acidic and polar, with asparagine, which is neutral and polar, at codon 1825 of the CACNA1H protein (p.Asp1825Asn). This variant is not present in population databases (gnomAD no frequency). This variant has not been reported in the literature in individuals affected with CACNA1H-related conditions. ClinVar contains an entry for this variant (Variation ID: 1501711). Invitae Evidence Modeling of protein sequence and biophysical properties (such as structural, functional, and spatial information, amino acid conservation, physicochemical variation, residue mobility, and thermodynamic stability) indicates that this missense variant is not expected to disrupt CACNA1H protein function with a negative predictive value of 80%. In summary, the available evidence is currently insufficient to determine the role of this variant in disease. Therefore, it has been classified as a Variant of Uncertain Significance.

NM_021098.3(CACNA1H):c.5473G>A (p.Asp1825Asn)

Gene: CACNA1H (calcium voltage-gated channel subunit alpha1 H; plus strand). Cytogenetic location: 16p13.3.
Variant type: single nucleotide variant.
Coding change: c.5473G>A on transcript NM_021098.3 (MANE Select); coding-DNA position 5473, G replaced by A.
Protein change: p.Asp1825Asn; replaces aspartic acid 1825 with asparagine.
Molecular consequence: missense variant.
Genome position (GRCh38, 1-based): chr16:1,218,237, G>A. VCF-style: chr16-1218237-G-A. GRCh37 (hg19) VCF-style: chr16-1268237-G-A.
Other names: c.5455G>A, p.Asp1819Asn (NM_001005407.2); short protein forms D1819N, D1825N.
Identifiers: ClinVar variation 1501711 (VCV001501711.8), dbSNP rs2141393648, ClinGen allele CA394147250.